The following is an entry in ClinVar:

NM_006015.6(ARID1A):c.5528A>G (p.His1843Arg)

Gene: ARID1A (AT-rich interaction domain 1A; plus strand). Cytogenetic location: 1p36.11.
Variant type: single nucleotide variant.
Coding change: c.5528A>G on transcript NM_006015.6 (MANE Select); coding-DNA position 5528, A replaced by G.
Protein change: p.His1843Arg; replaces histidine 1843 with arginine.
Molecular consequence: missense variant.
Genome position (GRCh38, 1-based): chr1:26,779,426, A>G. VCF-style: chr1-26779426-A-G. GRCh37 (hg19) VCF-style: chr1-27105917-A-G.
Other names: c.4877A>G, p.His1626Arg (NM_139135.4); short protein forms H1626R, H1843R.
Identifiers: ClinVar variation 3774914 (VCV003774914.1).

ClinVar aggregate classification (germline): Uncertain significance (1 of 4 stars; one submission).

gnomAD v4.1: 3 of 1,614,138 alleles (0.00019%); highest among the groups gnomAD compares: Non-Finnish European, 0.00025%; no homozygotes.

Submission:

GeneDx
Classification: Uncertain significance. Last evaluated: 2024-09-30. Review status: criteria provided, single submitter. Criteria: GeneDx Variant Classification Process June 2021. Collection method: clinical testing. Allele origin: germline. Affected: yes.
Comment: Not observed at significant frequency in large population cohorts (gnomAD); In silico analysis supports that this missense variant has a deleterious effect on protein structure/function; Has not been previously published as pathogenic or benign to our knowledge